The following is an entry in ClinVar:

ClinVar aggregate classification (germline): Uncertain significance (1 of 4 stars; one submission).

Submission:

Labcorp Genetics (formerly Invitae), Labcorp
Classification: Uncertain significance. Last evaluated: 2024-02-24. Review status: criteria provided, single submitter. Criteria: Invitae Variant Classification Sherloc (09022015). Collection method: clinical testing. Allele origin: germline.
Comment: This sequence change replaces methionine, which is neutral and non-polar, with isoleucine, which is neutral and non-polar, at codon 1120 of the OTOF protein (p.Met1120Ile). This variant is not present in population databases (gnomAD no frequency). This variant has not been reported in the literature in individuals affected with OTOF-related conditions. ClinVar contains an entry for this variant (Variation ID: 1504058). Advanced modeling of protein sequence and biophysical properties (such as structural, functional, and spatial information, amino acid conservation, physicochemical variation, residue mobility, and thermodynamic stability) performed at Invitae indicates that this missense variant is not expected to disrupt OTOF protein function with a negative predictive value of 95%. In summary, the available evidence is currently insufficient to determine the role of this variant in disease. Therefore, it has been classified as a Variant of Uncertain Significance.

NM_194248.3(OTOF):c.3360G>A (p.Met1120Ile)

Gene: OTOF (otoferlin; minus strand). Cytogenetic location: 2p23.3.
Variant type: single nucleotide variant.
Coding change: c.3360G>A on transcript NM_194248.3 (MANE Select); coding-DNA position 3360, G replaced by A.
Protein change: p.Met1120Ile; replaces methionine 1120 with isoleucine.
Molecular consequence: missense variant.
Genome position (GRCh38, 1-based): chr2:26,474,039, C>T on the plus strand (G>A on the coding strand, the complement: OTOF is on the minus strand). VCF-style: chr2-26474039-C-T. GRCh37 (hg19) VCF-style: chr2-26696907-C-T.
Other names: c.3360G>A, p.Met1120Ile (NM_001287489.2); c.1119G>A, p.Met373Ile (NM_004802.4, NM_194323.3); c.1290G>A, p.Met430Ile (NM_194322.3); short protein forms M1120I, M430I, M373I.
Identifiers: ClinVar variation 1504058 (VCV001504058.8), dbSNP rs2148043458, ClinGen allele CA346107532.